The following is an entry in ClinVar:

NM_005360.5(MAF):c.206C>G (p.Pro69Arg)

Gene: MAF (MAF bZIP transcription factor; minus strand). Cytogenetic location: 16q23.2.
Variant type: single nucleotide variant.
Coding change: c.206C>G on transcript NM_005360.5 (MANE Select); coding-DNA position 206, C replaced by G.
Protein change: p.Pro69Arg; replaces proline 69 with arginine.
Molecular consequence: missense variant.
Genome position (GRCh38, 1-based): chr16:79,599,697, G>C on the plus strand (C>G on the coding strand, the complement: MAF is on the minus strand). VCF-style: chr16-79599697-G-C. GRCh37 (hg19) VCF-style: chr16-79633594-G-C.
Other names: c.206C>G, p.Pro69Arg (NM_001031804.3); short protein forms P69R.
Identifiers: ClinVar variation 162518 (VCV000162518.3), dbSNP rs727502768, ClinGen allele CA175104.

ClinVar aggregate classification (germline): Likely pathogenic. Review status: criteria provided, single submitter (1 of 4 stars). 3 submissions from 3 submitters: Likely pathogenic (1). 2 of the submissions do not count toward it. Last evaluated 2016-09-22.

Conditions:
Ayme-Gripp syndrome. Also called: Aymé-Gripp Syndrome. Identifiers: MedGen C1832812, MONDO:0010992, OMIM 601088.

Submissions (3):

GeneDx
Classification: Likely pathogenic. Last evaluated: 2016-09-22. Review status: criteria provided, single submitter. Criteria: GeneDx Variant Classification (06012015). Collection method: clinical testing. Allele origin: germline. Affected: yes.
Comment: The P69R likely pathogenic variant has been previously reported as an assumed de novo variant identified in an individual with cataracts, blindness, sensorineural hearing loss, seizures, brachycephaly, facial dysmorphism, short stature, intellectual disability and autistic features (Gripp et al., 1996; Niceta et al., 2015). Functional and expression studies have shown P69R exhibits less activity than wild type and impairs phosphorylation of the MAF protein by altering a Proline residue adjacent to the phosphorylation site (Niceta et al., 2015). The P69R variant was not observed in approximately 6,500 individuals of European and African American ancestry in the NHLBI Exome Sequencing Project, indicating it is not a common benign variant in these populations. This variant is a non-conservative amino acid substitution, which is likely to impact secondary protein structure as these residues differ in polarity, charge, size and/or other properties. This substitution occurs at a position that is conserved in mammals, and in silico analysis predicts this variant is probably damaging to the protein structure/function. However, missense variants in nearby residues have not been reported in the Human Gene Mutation Database in association with MAF-related disorders (Stenson et al., 2014). Therefore, the P69R variant is likely pathogenic; however, the possibility that it is benign cannot be excluded.

OMIM
Classification: Pathogenic for AYME-GRIPP SYNDROME. Last evaluated: 2015-05-07. Review status: no assertion criteria provided. Collection method: literature only. Allele origin: germline. Not counted in ClinVar's aggregate classification.

Reparto di Fisiopatologia delle Malattie Genetiche, Dipartimento di Ematologia, Oncologia; Istituto Superiore di Sanità
Classification: Pathogenic for Cataracts, congenital, with sensorineural deafness, down syndrome-like facial appearance, short stature, and mental retardation. Review status: no assertion criteria provided. Collection method: not provided. Allele origin: de novo, germline. Not counted in ClinVar's aggregate classification.
Comment: Genomic DNA was isolated from peripheral blood leukocytes, skin fibroblasts, hair bulb cells, and/or buccal mucosal epithelial cells, using standard protocols.
ClinVar note: Converted during submission from pathogenic to Pathogenic.

Literature cited by the submitters: PubMed 8834052 (cited by OMIM); PubMed 25865493 (cited by OMIM).